The following is an entry in ClinVar:

NM_001080449.3(DNA2):c.2384T>G (p.Val795Gly)

Gene: DNA2 (DNA replication helicase/nuclease 2; minus strand). Cytogenetic location: 10q21.3.
Variant type: single nucleotide variant.
Coding change: c.2384T>G on transcript NM_001080449.3 (MANE Select); coding-DNA position 2384, T replaced by G.
Protein change: p.Val795Gly; replaces valine 795 with glycine.
Molecular consequence: missense variant. On other transcripts: non-coding transcript variant (1).
Genome position (GRCh38, 1-based): chr10:68,422,715, A>C on the plus strand (T>G on the coding strand, the complement: DNA2 is on the minus strand). VCF-style: chr10-68422715-A-C. GRCh37 (hg19) VCF-style: chr10-70182472-A-C.
Other names: short protein forms V795G.
Identifiers: ClinVar variation 1931568 (VCV001931568.5), dbSNP rs2493903817, ClinGen allele CA376848298.

ClinVar aggregate classification (germline): Uncertain significance (1 of 4 stars; one submission).

Submission:

Labcorp Genetics (formerly Invitae), Labcorp
Classification: Uncertain significance. Last evaluated: 2022-08-31. Review status: criteria provided, single submitter. Criteria: Invitae Variant Classification Sherloc (09022015). Collection method: clinical testing. Allele origin: germline.
Comment: In summary, the available evidence is currently insufficient to determine the role of this variant in disease. Therefore, it has been classified as a Variant of Uncertain Significance. Algorithms developed to predict the effect of missense changes on protein structure and function are either unavailable or do not agree on the potential impact of this missense change (SIFT: "Deleterious"; PolyPhen-2: "Not Available"; Align-GVGD: "Class C0"). This variant has not been reported in the literature in individuals affected with DNA2-related conditions. This variant is not present in population databases (gnomAD no frequency). This sequence change replaces valine, which is neutral and non-polar, with glycine, which is neutral and non-polar, at codon 795 of the DNA2 protein (p.Val795Gly).